The following is an entry in ClinVar:

ClinVar aggregate classification (germline): Uncertain significance. Review status: criteria provided, multiple submitters, no conflicts (2 of 4 stars). 2 submissions from 2 submitters: Uncertain significance (2). Last evaluated 2026-02-03.

Conditions:
Norman-Roberts syndrome (LIS2). Also called: Lissencephaly 2 (Norman-Roberts type). Identifiers: Orphanet 89844, MedGen C0796089, MONDO:0009760, OMIM 257320.
Familial temporal lobe epilepsy 7. Identifiers: Orphanet 101046, MedGen C4225327, MONDO:0014639, OMIM 616436.
Inborn genetic diseases. Identifiers: MedGen C0950123, MeSH D030342.

Allele frequency attached by ClinVar (database versions not stated): gnomAD 0.00001.
gnomAD v4.1: 1 of 1,610,850 alleles (0.000062%); highest among the groups gnomAD compares: Admixed American, 0.0017%; no homozygotes.

Submissions (2):

Labcorp Genetics (formerly Invitae), Labcorp
Classification: Uncertain significance for Familial temporal lobe epilepsy 7; Norman-Roberts syndrome. Last evaluated: 2026-02-03. Review status: criteria provided, single submitter. Criteria: Invitae Variant Classification Sherloc (09022015). Collection method: clinical testing. Allele origin: germline.
Comment: This sequence change replaces isoleucine, which is neutral and non-polar, with valine, which is neutral and non-polar, at codon 2985 of the RELN protein (p.Ile2985Val). This variant is present in population databases (no rsID available, gnomAD 0.1%). This variant has not been reported in the literature in individuals affected with RELN-related conditions. ClinVar contains an entry for this variant (Variation ID: 2063423). An algorithm developed to predict the effect of missense changes on protein structure and function (PolyPhen-2) suggests that this variant is likely to be tolerated. In summary, the available evidence is currently insufficient to determine the role of this variant in disease. Therefore, it has been classified as a Variant of Uncertain Significance.

Ambry Genetics
Classification: Uncertain significance for Inborn genetic diseases. Last evaluated: 2025-05-18. Review status: criteria provided, single submitter. Criteria: Ambry Variant Classification Scheme 2023. Collection method: clinical testing. Allele origin: germline.

NM_005045.4(RELN):c.8953A>G (p.Ile2985Val)

Genes: RELN (reelin; minus strand), SLC26A5-AS1 (SLC26A5 antisense RNA 1; plus strand). Cytogenetic location: 7q22.1.
Variant type: single nucleotide variant.
Coding change: c.8953A>G on transcript NM_005045.4 (MANE Select); coding-DNA position 8953, A replaced by G.
Protein change: p.Ile2985Val; replaces isoleucine 2985 with valine.
Molecular consequence: missense variant.
Genome position (GRCh38, 1-based): chr7:103,496,766, T>C on the plus strand (A>G on the coding strand, the complement: RELN is on the minus strand). VCF-style: chr7-103496766-T-C. GRCh37 (hg19) VCF-style: chr7-103137213-T-C.
Other names: c.8953A>G (NM_005045.3); c.8953A>G, p.Ile2985Val (NM_173054.3); short protein forms I2985V.
Identifiers: ClinVar variation 2063423 (VCV002063423.5), dbSNP rs1351998115, ClinGen allele CA368752006.